The following is an entry in ClinVar:

NM_000124.4(ERCC6):c.1894C>T (p.Gln632Ter)

Gene: ERCC6 (ERCC excision repair 6, chromatin remodeling factor; minus strand). Cytogenetic location: 10q11.23.
Variant type: single nucleotide variant.
Coding change: c.1894C>T on transcript NM_000124.4 (MANE Select); coding-DNA position 1894, C replaced by T.
Protein change: p.Gln632Ter; replaces glutamine 632 with a stop codon.
Molecular consequence: nonsense.
Genome position (GRCh38, 1-based): chr10:49,483,444, G>A on the plus strand (C>T on the coding strand, the complement: ERCC6 is on the minus strand). VCF-style: chr10-49483444-G-A. GRCh37 (hg19) VCF-style: chr10-50691490-G-A.
Other names: c.1894C>T, p.Gln632Ter (NM_001346440.2); short protein forms Q632*.
Identifiers: ClinVar variation 2840682 (VCV002840682.4), dbSNP rs2496009092, ClinGen allele CA376725011.
Genomic context (GRCh38, chr10:49,483,444, plus strand): 5'-GAATTTTGTGTCCTTCGTCCAAGATCACATAGTGCCAGTCATACCTGCTAATGTCATCCT[G>A]CATCAATCGAATGTAGGAGTAAGATGTGATCAAAATTCCATGACAATGAGCAACATCTCG-3'

ClinVar aggregate classification (germline): Pathogenic. Review status: criteria provided, multiple submitters, no conflicts (2 of 4 stars). 2 submissions from 2 submitters: Pathogenic (2). Last evaluated 2026-04-11.

Conditions:
Cockayne spectrum with or without cerebrooculofacioskeletal syndrome. Identifiers: MedGen CN315928, MONDO:0100506.

Submissions (2):

Myriad Genetics, Inc.
Classification: Pathogenic for Cockayne spectrum with or without cerebrooculofacioskeletal syndrome. Last evaluated: 2026-04-11. Review status: criteria provided, single submitter. Criteria: Myriad Autosomal Dominant, Autosomal Recessive and X-Linked Classification Criteria (2023). Collection method: clinical testing. Allele origin: unknown.
Comment: NM_000124.2(ERCC6):c.1894C>T(Q632*) is expected to be pathogenic in the context of ERCC6-related disorders. This variant is predicted to lead to an abnormal or absent protein product due to the creation of a premature termination codon in ERCC6, a gene where loss-of-function variants are known to be pathogenic. Please note: this variant was assessed in the context of healthy population screening.

Labcorp Genetics (formerly Invitae), Labcorp
Classification: Pathogenic. Last evaluated: 2023-02-25. Review status: criteria provided, single submitter. Criteria: Invitae Variant Classification Sherloc (09022015). Collection method: clinical testing. Allele origin: germline.
Comment: For these reasons, this variant has been classified as Pathogenic. This variant has not been reported in the literature in individuals affected with ERCC6-related conditions. This variant is not present in population databases (gnomAD no frequency). This sequence change creates a premature translational stop signal (p.Gln632*) in the ERCC6 gene. It is expected to result in an absent or disrupted protein product. Loss-of-function variants in ERCC6 are known to be pathogenic (PMID: 18628313, 29572252).

Literature cited by the submitters: PubMed 18628313 (cited by Labcorp Genetics (formerly Invitae), Labcorp); PubMed 29572252 (cited by Labcorp Genetics (formerly Invitae), Labcorp).